The following is an entry in ClinVar:

NM_015915.5(ATL1):c.1226G>T (p.Gly409Val)

Gene: ATL1 (atlastin GTPase 1; plus strand). Cytogenetic location: 14q22.1.
Variant type: single nucleotide variant.
Coding change: c.1226G>T on transcript NM_015915.5 (MANE Select); coding-DNA position 1226, G replaced by T.
Protein change: p.Gly409Val; replaces glycine 409 with valine.
Molecular consequence: missense variant.
Genome position (GRCh38, 1-based): chr14:50,628,137, G>T. VCF-style: chr14-50628137-G-T. GRCh37 (hg19) VCF-style: chr14-51094855-G-T.
Other names: c.1226G>T, p.Gly409Val (NM_001127713.1, NM_181598.4); short protein forms G409V.
Identifiers: ClinVar variation 4887928 (VCV004887928.1).
Genomic context (GRCh38, chr14:50,628,137, plus strand): 5'-CCAAACACCTGCAACTTAAGGAAGAATCTGTGAAGCTATTCCGAGGGGTGAAGAAGATGG[G>T]TGGGGAAGAATTTAGCCGGCGTTACCTGCAGCAGTTGGAGAGTGAAATAGATGAACTTTA-3'
Protein context (NP_056999.2, residues 399-419): VKLFRGVKKM[Gly409Val]GEEFSRRYLQ

ClinVar aggregate classification (germline): Pathogenic (1 of 4 stars; one submission).

Submission:

GeneDx
Classification: Pathogenic. Last evaluated: 2026-01-30. Review status: criteria provided, single submitter. Criteria: GeneDx Variant Classification Process June 2021. Collection method: clinical testing. Allele origin: germline.
Comment: Not observed at significant frequency in large population cohorts (gnomAD); In silico analysis supports that this missense variant has a deleterious effect on protein structure/function; Has not been previously published as pathogenic or benign to our knowledge; This variant is associated with the following publications: (PMID: 23334294, 25193411)